The following is an entry in ClinVar:

NM_000090.4(COL3A1):c.1808G>T (p.Gly603Val)

Gene: COL3A1 (collagen type III alpha 1 chain; plus strand). Cytogenetic location: 2q32.2.
Variant type: single nucleotide variant.
Coding change: c.1808G>T on transcript NM_000090.4 (MANE Select); coding-DNA position 1808, G replaced by T.
Protein change: p.Gly603Val; replaces glycine 603 with valine.
Molecular consequence: missense variant.
Genome position (GRCh38, 1-based): chr2:188,997,211, G>T. VCF-style: chr2-188997211-G-T. GRCh37 (hg19) VCF-style: chr2-189861937-G-T.
Identifiers: ClinVar variation 101172 (VCV000101172.7), dbSNP rs587779477, ClinGen allele CA004553.

ClinVar aggregate classification (germline): Likely pathogenic. Review status: criteria provided, single submitter (1 of 4 stars). 2 submissions from 2 submitters: Likely pathogenic (1). 1 of the submissions does not count toward it. Last evaluated 2022-03-23.

Conditions:
Ehlers-Danlos syndrome, type 4 (EDSVASC). Also called: Ehlers-Danlos syndrome vascular type; Ehlers Danlos syndrome, ecchymotic type; Ehlers Danlos syndrome, arterial type; Ehlers Danlos syndrome, Sack-Barabas type; Ehlers-Danlos Syndrome Type IV. Identifiers: Orphanet 286, MedGen C0268338, MONDO:0017314, OMIM 130050.

Submissions (2):

Labcorp Genetics (formerly Invitae), Labcorp
Classification: Likely pathogenic for Ehlers-Danlos syndrome, type 4. Last evaluated: 2022-03-23. Review status: criteria provided, single submitter. Criteria: Invitae Variant Classification Sherloc (09022015). Collection method: clinical testing. Allele origin: germline.
Comment: In summary, the currently available evidence indicates that the variant is pathogenic, but additional data are needed to prove that conclusively. Therefore, this variant has been classified as Likely Pathogenic. This variant disrupts the triple helix domain of COL3A1. Glycine residues within the Gly-Xaa-Yaa repeats of the triple helix domain are required for the structure and stability of fibrillar collagens (PMID: 7695699, 8218237, 19344236). In COL3A1, variants that affect these glycine residues are significantly enriched in individuals with disease (PMID: 24922459, 25758994) compared to the general population (ExAC). Advanced modeling of protein sequence and biophysical properties (such as structural, functional, and spatial information, amino acid conservation, physicochemical variation, residue mobility, and thermodynamic stability) performed at Invitae indicates that this missense variant is expected to disrupt COL3A1 protein function. ClinVar contains an entry for this variant (Variation ID: 101172). This missense change has been observed in individual(s) with COL3A1-related conditions (PMID: 24922459). This variant is not present in population databases (gnomAD no frequency). This sequence change replaces glycine, which is neutral and non-polar, with valine, which is neutral and non-polar, at codon 603 of the COL3A1 protein (p.Gly603Val).

Collagen Diagnostic Laboratory, University of Washington
Classification: Pathogenic for Ehlers-Danlos syndrome, type 4. Review status: no assertion criteria provided. Collection method: clinical testing. Allele origin: germline. Affected: yes. Not counted in ClinVar's aggregate classification.

Literature cited by the submitters: PubMed 7695699 (cited by Labcorp Genetics (formerly Invitae), Labcorp); PubMed 8218237 (cited by Labcorp Genetics (formerly Invitae), Labcorp); PubMed 19344236 (cited by Labcorp Genetics (formerly Invitae), Labcorp); PubMed 24922459 (cited by Labcorp Genetics (formerly Invitae), Labcorp); PubMed 25758994 (cited by Labcorp Genetics (formerly Invitae), Labcorp).